The following is an entry in ClinVar:

ClinVar aggregate classification (germline): Uncertain significance (1 of 4 stars; one submission).

Allele frequency attached by ClinVar (database versions not stated): gnomAD 0.00001; gnomAD exomes 0.00001; ExAC 0.00002; TOPMed 0.00002.
gnomAD v4.1: 15 of 1,087,957 alleles (0.0014%); highest among the groups gnomAD compares: East Asian, 0.0098%; 1 homozygote.

Submission:

Labcorp Genetics (formerly Invitae), Labcorp
Classification: Uncertain significance. Last evaluated: 2022-04-23. Review status: criteria provided, single submitter. Criteria: Invitae Variant Classification Sherloc (09022015). Collection method: clinical testing. Allele origin: germline.
Comment: This variant has not been reported in the literature in individuals affected with DRP2-related conditions. This sequence change falls in intron 4 of the DRP2 gene. It does not directly change the encoded amino acid sequence of the DRP2 protein. It affects a nucleotide within the consensus splice site. This variant is present in population databases (rs771714859, gnomAD 0.03%). Variants that disrupt the consensus splice site are a relatively common cause of aberrant splicing (PMID: 17576681, 9536098). Algorithms developed to predict the effect of sequence changes on RNA splicing suggest that this variant is not likely to affect RNA splicing. In summary, the available evidence is currently insufficient to determine the role of this variant in disease. Therefore, it has been classified as a Variant of Uncertain Significance.

Literature cited by the submitters: PubMed 17576681; PubMed 9536098.

NM_001939.3(DRP2):c.282-3C>T

Gene: DRP2 (dystrophin related protein 2; plus strand). Cytogenetic location: Xq22.1.
Variant type: single nucleotide variant.
Coding change: c.282-3C>T on transcript NM_001939.3 (MANE Select); 3 bases into the intron before coding-DNA position 282, C replaced by T.
Molecular consequence: intron variant.
Genome position (GRCh38, 1-based): chrX:101,237,616, C>T. VCF-style: chrX-101237616-C-T. GRCh37 (hg19) VCF-style: chrX-100492605-C-T.
Other names: c.48-3C>T (NM_001171184.2).
Identifiers: ClinVar variation 1977393 (VCV001977393.5), dbSNP rs771714859, ClinGen allele CA10472043.